The following is an entry in ClinVar:

NM_001111.5(ADAR):c.1412G>A (p.Gly471Asp)

Gene: ADAR (adenosine deaminase RNA specific; minus strand). Cytogenetic location: 1q21.3.
Variant type: single nucleotide variant.
Coding change: c.1412G>A on transcript NM_001111.5 (MANE Select); coding-DNA position 1412, G replaced by A.
Protein change: p.Gly471Asp; replaces glycine 471 with aspartic acid.
Molecular consequence: missense variant.
Genome position (GRCh38, 1-based): chr1:154,601,230, C>T on the plus strand (G>A on the coding strand, the complement: ADAR is on the minus strand). VCF-style: chr1-154601230-C-T. GRCh37 (hg19) VCF-style: chr1-154573706-C-T.
Other names: c.527G>A, p.Gly176Asp (NM_001025107.3, NM_001193495.2, NM_001365046.1 and 3 more transcripts); c.1439G>A, p.Gly480Asp (NM_001365045.1); c.1412G>A, p.Gly471Asp (NM_015840.4, NM_015841.4); short protein forms G471D, G176D, G480D.
Identifiers: ClinVar variation 4794757 (VCV004794757.1).
Genomic context (GRCh38, chr1:154,601,230, plus strand): 5'-GAACACCGTGGCAAGCCATGACTGTAGAAGGAGGGCATCTCCATGATGGCTCGAAACTCA[C>T]CTGGTGCTGCGCGGATACTATTCAAGTCATCTGGGATGTCATCTGTGGCCCACTGGCCAT-3'
Protein context (NP_001102.3, residues 461-481): DDLNSIRAAP[Gly471Asp]EFRAIMEMPS

ClinVar aggregate classification (germline): Uncertain significance (1 of 4 stars; one submission).

Conditions:
Symmetrical dyschromatosis of extremities (DSH). Also called: DYSCHROMATOSIS SYMMETRICA HEREDITARIA 1; Dyschromatosis symmetrica hereditaria; RETICULATE ACROPIGMENTATION OF DOHI; SYMMETRIC DYSCHROMATOSIS OF THE EXTREMITIES. Identifiers: Orphanet 41, MedGen C0406775, MONDO:0007483, OMIM 127400.
Aicardi-Goutieres syndrome 6 (AGS6). Identifiers: Orphanet 51, MedGen C3539013, MONDO:0014007, OMIM 615010.

Submission:

Labcorp Genetics (formerly Invitae), Labcorp
Classification: Uncertain significance for Aicardi-Goutieres syndrome 6; Symmetrical dyschromatosis of extremities. Last evaluated: 2025-10-05. Review status: criteria provided, single submitter. Criteria: Invitae Variant Classification Sherloc (09022015). Collection method: clinical testing. Allele origin: germline.
Comment: This sequence change replaces glycine, which is neutral and non-polar, with aspartic acid, which is acidic and polar, at codon 471 of the ADAR protein (p.Gly471Asp). This variant is not present in population databases (gnomAD no frequency). This missense change has been observed in individual(s) with ADAR-related conditions (PMID: 31423758). Invitae Evidence Modeling of protein sequence and biophysical properties (such as structural, functional, and spatial information, amino acid conservation, physicochemical variation, residue mobility, and thermodynamic stability) indicates that this missense variant is not expected to disrupt ADAR protein function with a negative predictive value of 80%. In summary, the available evidence is currently insufficient to determine the role of this variant in disease. Therefore, it has been classified as a Variant of Uncertain Significance.

Literature cited by the submitters: PubMed 31423758.